The following is an entry in ClinVar:

ClinVar aggregate classification (germline): Uncertain significance (1 of 4 stars; one submission).

Submission:

Ambry Genetics
Classification: Uncertain significance. Last evaluated: 2024-02-23. Review status: criteria provided, single submitter. Criteria: Ambry Variant Classification Scheme 2023. Collection method: clinical testing. Allele origin: germline.
Comment: The p.L911P variant (also known as c.2732T>C), located in coding exon 24 of the PRKDC gene, results from a T to C substitution at nucleotide position 2732. The leucine at codon 911 is replaced by proline, an amino acid with similar properties. This amino acid position is conserved. In addition, this alteration is predicted to be deleterious by in silico analysis. Based on the available evidence, the clinical significance of this alteration remains unclear.

NM_006904.7(PRKDC):c.2732T>C (p.Leu911Pro)

Gene: PRKDC (protein kinase, DNA-activated, catalytic subunit; minus strand). Cytogenetic location: 8q11.21.
Variant type: single nucleotide variant.
Coding change: c.2732T>C on transcript NM_006904.7 (MANE Select); coding-DNA position 2732, T replaced by C.
Protein change: p.Leu911Pro; replaces leucine 911 with proline.
Molecular consequence: missense variant.
Genome position (GRCh38, 1-based): chr8:47,913,950, A>G on the plus strand (T>C on the coding strand, the complement: PRKDC is on the minus strand). VCF-style: chr8-47913950-A-G. GRCh37 (hg19) VCF-style: chr8-48826510-A-G.
Other names: c.2732T>C, p.Leu911Pro (NM_001081640.2); short protein forms L911P.
Identifiers: ClinVar variation 3225809 (VCV003225809.1), dbSNP rs2551876856, ClinGen allele CA371159164.